The following is an entry in ClinVar:

NM_018297.4(NGLY1):c.787T>C (p.Ser263Pro)

Gene: NGLY1 (N-glycanase 1; minus strand). Cytogenetic location: 3p24.2.
Variant type: single nucleotide variant.
Coding change: c.787T>C on transcript NM_018297.4 (MANE Select); coding-DNA position 787, T replaced by C.
Protein change: p.Ser263Pro; replaces serine 263 with proline.
Molecular consequence: missense variant.
Genome position (GRCh38, 1-based): chr3:25,739,671, A>G on the plus strand (T>C on the coding strand, the complement: NGLY1 is on the minus strand). VCF-style: chr3-25739671-A-G. GRCh37 (hg19) VCF-style: chr3-25781162-A-G.
Other names: c.787T>C, p.Ser263Pro (NM_001145293.2, NM_001145295.2); c.661T>C, p.Ser221Pro (NM_001145294.2); short protein forms S221P, S263P.
Identifiers: ClinVar variation 2003126 (VCV002003126.4), dbSNP rs2470553066, ClinGen allele CA351903535.

ClinVar aggregate classification (germline): Uncertain significance (1 of 4 stars; one submission).

Conditions:
Congenital disorder of deglycosylation (CDDG). Identifiers: MedGen C3808991, MONDO:0031376.

Submission:

Labcorp Genetics (formerly Invitae), Labcorp
Classification: Uncertain significance for Congenital disorder of deglycosylation. Last evaluated: 2022-06-07. Review status: criteria provided, single submitter. Criteria: Invitae Variant Classification Sherloc (09022015). Collection method: clinical testing. Allele origin: germline.
Comment: In summary, the available evidence is currently insufficient to determine the role of this variant in disease. Therefore, it has been classified as a Variant of Uncertain Significance. Algorithms developed to predict the effect of missense changes on protein structure and function output the following: SIFT: "Tolerated"; PolyPhen-2: "Benign"; Align-GVGD: "Class C0". The proline amino acid residue is found in multiple mammalian species, which suggests that this missense change does not adversely affect protein function. This variant has not been reported in the literature in individuals affected with NGLY1-related conditions. This variant is not present in population databases (gnomAD no frequency). This sequence change replaces serine, which is neutral and polar, with proline, which is neutral and non-polar, at codon 263 of the NGLY1 protein (p.Ser263Pro).